The following is an entry in ClinVar:

ClinVar aggregate classification (germline): Benign/Likely benign. Review status: criteria provided, multiple submitters, no conflicts (2 of 4 stars). 3 submissions from 3 submitters: Benign (1); Likely benign (2). Last evaluated 2025-01-06.

Conditions:
Hereditary cancer-predisposing syndrome. Also called: Neoplastic Syndromes, Hereditary; Tumor predisposition; Hereditary Cancer Syndrome; Hereditary neoplastic syndrome. Identifiers: Orphanet 140162, MedGen C0027672, MeSH D009386, MONDO:0015356.
Oligodontia-cancer predisposition syndrome. Also called: TOOTH AGENESIS-COLORECTAL CANCER SYNDROME. Identifiers: Orphanet 300576, MedGen C1837750, MONDO:0012075, OMIM 608615. Disease mechanism: loss of function.

gnomAD v4.1: 1 of 1,587,770 alleles (0.000063%); highest among the groups gnomAD compares: East Asian, 0.0023%; no homozygotes.

Submissions (3):

Labcorp Genetics (formerly Invitae), Labcorp
Classification: Likely benign for Oligodontia-cancer predisposition syndrome. Last evaluated: 2025-01-06. Review status: criteria provided, single submitter. Criteria: Invitae Variant Classification Sherloc (09022015). Collection method: clinical testing. Allele origin: germline.

Myriad Genetics, Inc.
Classification: Benign for Oligodontia-cancer predisposition syndrome. Last evaluated: 2024-07-02. Review status: criteria provided, single submitter. Criteria: Myriad Autosomal Dominant, Autosomal Recessive and X-Linked Classification Criteria (2023). Collection method: clinical testing. Allele origin: unknown.
Comment: This variant is considered benign. This variant is a silent/synonymous amino acid change and it is not expected to impact splicing.

Ambry Genetics
Classification: Likely benign for Hereditary cancer-predisposing syndrome. Last evaluated: 2021-10-10. Review status: criteria provided, single submitter. Criteria: Ambry Variant Classification Scheme 2023. Collection method: clinical testing. Allele origin: germline.

NM_004655.4(AXIN2):c.1257G>T (p.Thr419=)

Gene: AXIN2 (axin 2; minus strand). Cytogenetic location: 17q24.1.
Variant type: single nucleotide variant.
Coding change: c.1257G>T on transcript NM_004655.4 (MANE Select); coding-DNA position 1257, G replaced by T.
Protein change: p.Thr419=; no amino-acid change (threonine 419 retained).
Molecular consequence: synonymous variant.
Genome position (GRCh38, 1-based): chr17:65,537,779, C>A on the plus strand (G>T on the coding strand, the complement: AXIN2 is on the minus strand). VCF-style: chr17-65537779-C-A. GRCh37 (hg19) VCF-style: chr17-63533897-C-A.
Other names: c.1257G>T, p.Thr419= (NM_001363813.1).
Identifiers: ClinVar variation 1762187 (VCV001762187.5), dbSNP rs1415397819, ClinGen allele CA501691341.